The following is an entry in ClinVar:

ClinVar aggregate classification (germline): Uncertain significance (1 of 4 stars; one submission).

Submission:

GeneDx
Classification: Uncertain significance. Last evaluated: 2024-08-10. Review status: criteria provided, single submitter. Criteria: GeneDx Variant Classification Process June 2021. Collection method: clinical testing. Allele origin: germline. Affected: yes.
Comment: Not observed at significant frequency in large population cohorts (gnomAD); In silico analysis supports that this variant does not alter protein structure/function; Has not been previously published as pathogenic or benign to our knowledge

NM_001164508.2(NEB):c.4208_4209delinsAA (p.Val1403Glu)

Gene: NEB (nebulin; minus strand). Cytogenetic location: 2q23.3.
Variant type: Indel.
Coding change: c.4208_4209delinsAA on transcript NM_001164508.2 (MANE Select); coding-DNA positions 4208 to 4209, TC replaced by AA.
Protein change: p.Val1403Glu; replaces valine 1403 with glutamic acid.
Molecular consequence: missense variant.
Genome position (GRCh38, 1-based): chr2:151,672,459-151,672,460, GA replaced by TT on the plus strand (TC replaced by AA on the coding strand, the reverse complement: NEB is on the minus strand). VCF-style: chr2-151672459-GA-TT. GRCh37 (hg19) VCF-style: chr2-152528973-GA-TT.
Other names: c.4208_4209delinsAA, p.Val1403Glu (NM_001164507.2, NM_001271208.2, NM_004543.5); c.4208_4209delTCinsAA, p.Val1403Glu (NM_001271208.1); short protein forms V1403E.
Identifiers: ClinVar variation 1806656 (VCV001806656.2), dbSNP rs2552260603, ClinGen allele CA2580064076.
Genomic context (GRCh38, chr2:151,672,459, plus strand): 5'-ATGCTCAAGACTCATGGCGTCAGGTAGGTATGTGTAATGATGCAATGGCTGTTTGTAGTT[GA>TT]CATTGGTAGCGACATCCTGGGCCATCTTTGCAGCTGTGATGCTAACCATGTCCCCAGGGG-3'
Protein context (NP_001157980.2, residues 1393-1413): AKMAQDVATN[Val1403Glu]NYKQPLHHYT